The following is an entry in ClinVar:

ClinVar aggregate classification (germline): Uncertain significance (1 of 4 stars; one submission).

Submission:

Ambry Genetics
Classification: Uncertain significance. Last evaluated: 2025-09-01. Review status: criteria provided, single submitter. Criteria: Ambry Variant Classification Scheme 2023. Collection method: clinical testing. Allele origin: germline.
Comment: The p.R701G variant (also known as c.2101A>G), located in coding exon 3 of the CDK12 gene, results from an A to G substitution at nucleotide position 2101. The arginine at codon 701 is replaced by glycine, an amino acid with dissimilar properties. This amino acid position is conserved. In addition, the in silico prediction for this alteration is inconclusive. Based on the available evidence, the clinical significance of this variant remains unclear.

NM_016507.4(CDK12):c.2101A>G (p.Arg701Gly)

Gene: CDK12 (cyclin dependent kinase 12; plus strand). Cytogenetic location: 17q12.
Variant type: single nucleotide variant.
Coding change: c.2101A>G on transcript NM_016507.4 (MANE Select); coding-DNA position 2101, A replaced by G.
Protein change: p.Arg701Gly; replaces arginine 701 with glycine.
Molecular consequence: missense variant.
Genome position (GRCh38, 1-based): chr17:39,490,726, A>G. VCF-style: chr17-39490726-A-G. GRCh37 (hg19) VCF-style: chr17-37646979-A-G.
Other names: c.2101A>G, p.Arg701Gly (NM_015083.4); short protein forms R701G.
Identifiers: ClinVar variation 4224438 (VCV004224438.1).